The following is an entry in ClinVar:

NM_001127453.2(GSDME):c.1349G>A (p.Arg450His)

Gene: GSDME (gasdermin E; minus strand). Cytogenetic location: 7p15.3.
Variant type: single nucleotide variant.
Coding change: c.1349G>A on transcript NM_001127453.2 (MANE Select); coding-DNA position 1349, G replaced by A.
Protein change: p.Arg450His; replaces arginine 450 with histidine.
Molecular consequence: missense variant.
Genome position (GRCh38, 1-based): chr7:24,699,168, C>T on the plus strand (G>A on the coding strand, the complement: GSDME is on the minus strand). VCF-style: chr7-24699168-C-T. GRCh37 (hg19) VCF-style: chr7-24738787-C-T.
Other names: c.857G>A, p.Arg286His (NM_001127454.2); c.1349G>A, p.Arg450His (NM_004403.3); short protein forms R450H, R286H.
Identifiers: ClinVar variation 359838 (VCV000359838.14), dbSNP rs764724618, ClinGen allele CA4191288.

ClinVar aggregate classification (germline): Uncertain significance. Review status: criteria provided, multiple submitters, no conflicts (2 of 4 stars). 4 submissions from 4 submitters: Uncertain significance (4). Last evaluated 2024-10-30.

Conditions:
Autosomal dominant nonsyndromic hearing loss 5. Identifiers: Orphanet 90635, MedGen C1832932, MONDO:0010973, OMIM 600994.

Allele frequency attached by ClinVar (database versions not stated): gnomAD 0.00001; gnomAD exomes 0.00001; TOPMed 0.00001; ExAC 0.00002.
gnomAD v4.1: 17 of 1,614,018 alleles (0.0011%); highest among the groups gnomAD compares: East Asian, 0.013%; no homozygotes.

Submissions (4):

Labcorp Genetics (formerly Invitae), Labcorp
Classification: Uncertain significance. Last evaluated: 2024-10-30. Review status: criteria provided, single submitter. Criteria: Invitae Variant Classification Sherloc (09022015). Collection method: clinical testing. Allele origin: germline.
Comment: This sequence change replaces arginine, which is basic and polar, with histidine, which is basic and polar, at codon 450 of the DFNA5 protein (p.Arg450His). This variant is present in population databases (rs764724618, gnomAD 0.003%). This missense change has been observed in individual(s) with deafness (PMID: 35114279). ClinVar contains an entry for this variant (Variation ID: 359838). Invitae Evidence Modeling of protein sequence and biophysical properties (such as structural, functional, and spatial information, amino acid conservation, physicochemical variation, residue mobility, and thermodynamic stability) indicates that this missense variant is not expected to disrupt DFNA5 protein function with a negative predictive value of 80%. In summary, the available evidence is currently insufficient to determine the role of this variant in disease. Therefore, it has been classified as a Variant of Uncertain Significance.

Blueprint Genetics
Classification: Uncertain significance. Last evaluated: 2024-10-15. Review status: criteria provided, single submitter. Criteria: ACMG Guidelines, 2015. Collection method: clinical testing. Allele origin: germline.

GeneDx
Classification: Uncertain significance. Last evaluated: 2022-06-01. Review status: criteria provided, single submitter. Criteria: GeneDx Variant Classification Process June 2021. Collection method: clinical testing. Allele origin: germline. Affected: yes.
Comment: Observed in an individual in published literature (Liu et al., 2022) who had a different genetic etiology for the phenotype, however, variant was inherited from a parent reported to have high frequency hearing loss; In silico analysis supports that this missense variant does not alter protein structure/function; This variant is associated with the following publications: (PMID: 35114279)

Illumina Laboratory Services, Illumina
Classification: Uncertain significance for Autosomal dominant nonsyndromic hearing loss 5. Last evaluated: 2018-01-13. Review status: criteria provided, single submitter. Criteria: ICSL Variant Classification Criteria 13 December 2019. Collection method: clinical testing. Allele origin: germline.

Literature cited by the submitters: PubMed 35114279 (cited by Labcorp Genetics (formerly Invitae), Labcorp).